The following is an entry in ClinVar:

ClinVar aggregate classification (germline): Likely benign (1 of 4 stars; one submission).

gnomAD v4.1: 70 of 1,614,052 alleles (0.0043%); highest among the groups gnomAD compares: African/African-American, 0.013%; no homozygotes.

Submission:

CeGaT Center for Human Genetics Tuebingen
Classification: Likely benign. Last evaluated: 2026-08-01. Review status: criteria provided, single submitter. Criteria: CeGaT Center For Human Genetics Tuebingen Variant Classification Criteria Version 2. Collection method: clinical testing. Allele origin: germline. Affected: yes. Observed: 1 variant allele.
Comment: ZFHX3: BP4, BP7

NM_006885.4(ZFHX3):c.2442C>T (p.Asn814=)

Gene: ZFHX3 (zinc finger homeobox 3; minus strand). Cytogenetic location: 16q22.3.
Variant type: single nucleotide variant.
Coding change: c.2442C>T on transcript NM_006885.4 (MANE Select); coding-DNA position 2442, C replaced by T.
Protein change: p.Asn814=; no amino-acid change (asparagine 814 retained).
Molecular consequence: synonymous variant. On other transcripts: intron variant (1).
Genome position (GRCh38, 1-based): chr16:72,957,704, G>A on the plus strand (C>T on the coding strand, the complement: ZFHX3 is on the minus strand). VCF-style: chr16-72957704-G-A. GRCh37 (hg19) VCF-style: chr16-72991603-G-A.
Other names: c.2442C>T, p.Asn814= (NM_001386735.1); c.-23-6739C>T (NM_001164766.2).
Identifiers: ClinVar variation 5038972 (VCV005038972.1).